The following is an entry in ClinVar:

NM_003999.3(OSMR):c.1881C>A (p.Asp627Glu)

Gene: OSMR (oncostatin M receptor; plus strand). Cytogenetic location: 5p13.1.
Variant type: single nucleotide variant.
Coding change: c.1881C>A on transcript NM_003999.3 (MANE Select); coding-DNA position 1881, C replaced by A.
Protein change: p.Asp627Glu; replaces aspartic acid 627 with glutamic acid.
Molecular consequence: missense variant.
Genome position (GRCh38, 1-based): chr5:38,924,432, C>A. VCF-style: chr5-38924432-C-A. GRCh37 (hg19) VCF-style: chr5-38924534-C-A.
Other names: c.1881C>A, p.Asp627Glu (NM_001323505.2); c.1884C>A, p.Asp628Glu (NM_001323506.2); short protein forms D627E, D628E.
Identifiers: ClinVar variation 733886 (VCV000733886.6), dbSNP rs113413897, ClinGen allele CA3244206.

ClinVar aggregate classification (germline): Conflicting classifications of pathogenicity. Review status: criteria provided, conflicting classifications (1 of 4 stars). 3 submissions from 3 submitters: Uncertain significance (1); Benign (1). 1 of the submissions does not count toward it. Last evaluated 2025-09-25.

Conditions:
Inborn genetic diseases. Identifiers: MedGen C0950123, MeSH D030342.
OSMR-related disorder. Also called: OSMR-related condition.

Allele frequency attached by ClinVar (database versions not stated): 1000 Genomes Project 0.00080; ESP Exome Variant Server 0.00123; TOPMed 0.00158; 1000 Genomes Project 30x 0.00062; gnomAD 0.00153; gnomAD exomes 0.00026.
gnomAD v4.1: 438 of 1,614,164 alleles (0.027%); highest among the groups gnomAD compares: African/African-American, 0.52%; no homozygotes.

Submissions (3):

Ambry Genetics
Classification: Uncertain significance for Inborn genetic diseases. Last evaluated: 2025-09-25. Review status: criteria provided, single submitter. Criteria: Ambry Variant Classification Scheme 2023. Collection method: clinical testing. Allele origin: germline.

Labcorp Genetics (formerly Invitae), Labcorp
Classification: Benign. Last evaluated: 2018-12-13. Review status: criteria provided, single submitter. Criteria: Invitae Variant Classification Sherloc (09022015). Collection method: clinical testing. Allele origin: germline.

PreventionGenetics, part of Exact Sciences
Classification: Likely benign for OSMR-related condition. Last evaluated: 2020-06-01. Review status: no assertion criteria provided. Collection method: clinical testing. Allele origin: germline. Not counted in ClinVar's aggregate classification.
Comment: This variant is classified as likely benign based on ACMG/AMP sequence variant interpretation guidelines (Richards et al. 2015 PMID: 25741868, with internal and published modifications).